The following is an entry in ClinVar:

NM_000702.4(ATP1A2):c.2699G>A (p.Gly900Glu)

Gene: ATP1A2 (ATPase Na+/K+ transporting subunit alpha 2; plus strand). Cytogenetic location: 1q23.2.
Variant type: single nucleotide variant.
Coding change: c.2699G>A on transcript NM_000702.4 (MANE Select); coding-DNA position 2699, G replaced by A.
Protein change: p.Gly900Glu; replaces glycine 900 with glutamic acid.
Molecular consequence: missense variant.
Genome position (GRCh38, 1-based): chr1:160,136,705, G>A. VCF-style: chr1-160136705-G-A. GRCh37 (hg19) VCF-style: chr1-160106495-G-A.
Other names: short protein forms G900E.
Identifiers: ClinVar variation 5005037 (VCV005005037.2).

ClinVar aggregate classification (germline): Likely pathogenic (1 of 4 stars; one submission).

Conditions:
Fetal akinesia, respiratory insufficiency, microcephaly, polymicrogyria, and dysmorphic facies. Identifiers: MedGen C5562015, MONDO:0859204, OMIM 619602.
Developmental and epileptic encephalopathy 98. Identifiers: MedGen C5562017, MONDO:0030472, OMIM 619605.
Alternating hemiplegia of childhood 1 (AHC1). Identifiers: Orphanet 2131, MedGen C3549447, MONDO:0007087, OMIM 104290.
Migraine, familial hemiplegic, 2. Identifiers: Orphanet 569, MedGen C1865322, MONDO:0011232, OMIM 602481.

Submission:

Juno Genomics, Hangzhou Juno Genomics, Inc
Classification: Likely pathogenic for Alternating hemiplegia of childhood 1; Developmental and epileptic encephalopathy 98; Fetal akinesia, respiratory insufficiency, microcephaly, polymicrogyria, and dysmorphic facies; Migraine, familial hemiplegic, 2. Review status: criteria provided, single submitter. Criteria: ACMG Guidelines, 2015. Collection method: clinical testing. Allele origin: germline.
Comment: Absent from controls (or at extremely low frequency if recessive) in Genome Aggregation Database.;Multiple lines of computational evidence support a deleterious effect on the gene or gene product.;Missense variant in a gene that has a low rate of benign missense variation.